The following is an entry in ClinVar:

NM_004329.3(BMPR1A):c.1276A>C (p.Ile426Leu)

Gene: BMPR1A (bone morphogenetic protein receptor type 1A; plus strand). Cytogenetic location: 10q23.2.
Variant type: single nucleotide variant.
Coding change: c.1276A>C on transcript NM_004329.3 (MANE Select); coding-DNA position 1276, A replaced by C.
Protein change: p.Ile426Leu; replaces isoleucine 426 with leucine.
Molecular consequence: missense variant.
Genome position (GRCh38, 1-based): chr10:86,921,629, A>C. VCF-style: chr10-86921629-A-C. GRCh37 (hg19) VCF-style: chr10-88681386-A-C.
Other names: short protein forms I426L.
Identifiers: ClinVar variation 411644 (VCV000411644.17), dbSNP rs780148965, ClinGen allele CA16613221.
Genomic context (GRCh38, chr10:86,921,629, plus strand): 5'-CGCTACATGGCTCCCGAAGTGCTGGACGAAAGCCTGAACAAAAACCACTTCCAGCCCTAC[A>C]TCATGGCTGACATCTACAGCTTCGGCCTAATCATTTGGGAGATGGCTCGTCGTTGTATCA-3'
Protein context (NP_004320.2, residues 416-436): SLNKNHFQPY[Ile426Leu]MADIYSFGLI

ClinVar aggregate classification (germline): Uncertain significance. Review status: criteria provided, multiple submitters, no conflicts (2 of 4 stars). 5 submissions from 5 submitters: Uncertain significance (4). 1 of the submissions does not count toward it. Last evaluated 2025-09-03.

Conditions:
Hereditary cancer-predisposing syndrome. Also called: Hereditary neoplastic syndrome; Neoplastic Syndromes, Hereditary; Tumor predisposition; Hereditary Cancer Syndrome. Identifiers: Orphanet 140162, MedGen C0027672, MeSH D009386, MONDO:0015356.
Polyposis syndrome, hereditary mixed, 2. Identifiers: Orphanet 157794, MedGen C1864730, MONDO:0012405, OMIM 610069.
Juvenile polyposis syndrome (JPS). Identifiers: Orphanet 2929, MedGen C0345893, MONDO:0017380, OMIM 174900.
BMPR1A-related disorder. Also called: BMPR1A-related condition.

Submissions (5):

Labcorp Genetics (formerly Invitae), Labcorp
Classification: Uncertain significance for Juvenile polyposis syndrome. Last evaluated: 2025-09-03. Review status: criteria provided, single submitter. Criteria: Invitae Variant Classification Sherloc (09022015). Collection method: clinical testing. Allele origin: germline.
Comment: This sequence change replaces isoleucine, which is neutral and non-polar, with leucine, which is neutral and non-polar, at codon 426 of the BMPR1A protein (p.Ile426Leu). This variant is present in population databases (no rsID available, gnomAD 0.0009%). This variant has not been reported in the literature in individuals affected with BMPR1A-related conditions. ClinVar contains an entry for this variant (Variation ID: 411644). Invitae Evidence Modeling of protein sequence and biophysical properties (such as structural, functional, and spatial information, amino acid conservation, physicochemical variation, residue mobility, and thermodynamic stability) indicates that this missense variant is not expected to disrupt BMPR1A protein function with a negative predictive value of 80%. In summary, the available evidence is currently insufficient to determine the role of this variant in disease. Therefore, it has been classified as a Variant of Uncertain Significance.

Ambry Genetics
Classification: Uncertain significance for Hereditary cancer-predisposing syndrome. Last evaluated: 2025-04-19. Review status: criteria provided, single submitter. Criteria: Ambry Variant Classification Scheme 2023. Collection method: clinical testing. Allele origin: germline.
Comment: The p.I426L variant (also known as c.1276A>C), located in coding exon 9 of the BMPR1A gene, results from an A to C substitution at nucleotide position 1276. The isoleucine at codon 426 is replaced by leucine, an amino acid with highly similar properties. This alteration was observed in a cohort of 431 patients with wild-type PTEN who met at least the relaxed diagnostic criteria of the International Cowden Consortium (Lee YR et al. N Engl J Med, 2020 05;382:2103-2116). This amino acid position is well conserved in available vertebrate species. In addition, this alteration is predicted to be tolerated by in silico analysis. Since supporting evidence is limited at this time, the clinical significance of this alteration remains unclear.

Color Diagnostics, LLC DBA Color Health
Classification: Uncertain significance for Hereditary cancer-predisposing syndrome. Last evaluated: 2025-03-28. Review status: criteria provided, single submitter. Criteria: ACMG Guidelines, 2015. Collection method: clinical testing. Allele origin: germline.
Comment: This missense variant replaces isoleucine with leucine at codon 426 of the BMPR1A protein. Computational prediction suggests that this variant may not impact protein structure and function. To our knowledge, functional studies have not been reported for this variant. This variant has not been reported in individuals affected with BMPR1A-related disorders in the literature. This variant has been identified in 1/251496 chromosomes in the general population by the Genome Aggregation Database (gnomAD). The available evidence is insufficient to determine the role of this variant in disease conclusively. Therefore, this variant is classified as a Variant of Uncertain Significance.

Baylor Genetics
Classification: Uncertain significance for Polyposis syndrome, hereditary mixed, 2. Last evaluated: 2024-03-18. Review status: criteria provided, single submitter. Criteria: ACMG Guidelines, 2015. Collection method: clinical testing. Allele origin: unknown.

PreventionGenetics, part of Exact Sciences
Classification: Uncertain significance for BMPR1A-related condition. Last evaluated: 2024-06-20. Review status: no assertion criteria provided. Collection method: clinical testing. Allele origin: germline. Not counted in ClinVar's aggregate classification.
Comment: The BMPR1A c.1276A>C variant is predicted to result in the amino acid substitution p.Ile426Leu. To our knowledge, this variant has not been reported in the literature. This variant is reported in 0.00088% of alleles in individuals of European (Non-Finnish) descent in gnomAD. In ClinVar, this variant is interpreted as uncertain. At this time, the clinical significance of this variant is uncertain due to the absence of conclusive functional and genetic evidence.

Literature cited by the submitters: PubMed 32459922 (cited by Ambry Genetics).